The following is an entry in ClinVar:

NM_001089.3(ABCA3):c.3348_3360del (p.Ile1117fs)

Gene: ABCA3 (ATP binding cassette subfamily A member 3; minus strand). Cytogenetic location: 16p13.3.
Variant type: Deletion.
Coding change: c.3348_3360del on transcript NM_001089.3 (MANE Select); coding-DNA positions 3348 to 3360, 13 bases deleted (CATCCTGGCGGTC).
Protein change: p.Ile1117fs; shifts the reading frame from isoleucine 1117.
Molecular consequence: frameshift variant.
Genome position (GRCh38, 1-based): chr16:2,285,565-2,285,577, GACCGCCAGGATG deleted on the plus strand (CATCCTGGCGGTC on the coding strand, the reverse complement: ABCA3 is on the minus strand); deleting any 13 consecutive bases within chr16:2,285,565-2,285,579 gives the same sequence; the c. name uses the placement nearest the transcript's 3' end. VCF-style (leftmost placement, unchanged base first): chr16-2285564-TGACCGCCAGGATG-T. GRCh37 (hg19) VCF-style: chr16-2335565-TGACCGCCAGGATG-T.
Other names: short protein forms I1117fs.
Identifiers: ClinVar variation 1730473 (VCV001730473.2), dbSNP rs2505623440, ClinGen allele CA2580090992.
Genomic context (GRCh38, chr16:2,285,564, plus strand): 5'-AACTGGCCACGTGGACTCCACTCACAAACTGCACATGCTTGGCCTGCACGGCCCTCTCGC[TGACCGCCAGGATG>T]GAGAACGTGCTGGCCAAGAATGCCATGGCGAAGAGCAGGTTGAGGGCAATGTCGAATCCC-3'

ClinVar aggregate classification (germline): Pathogenic (1 of 4 stars; one submission).

Conditions:
Hereditary pulmonary alveolar proteinosis. Also called: Pulmonary surfactant metabolism dysfunction. Identifiers: Orphanet 264675, MedGen C3711368, MONDO:0012580.

Submission:

Ambry Genetics
Classification: Pathogenic for Hereditary pulmonary alveolar proteinosis. Last evaluated: 2016-05-11. Review status: criteria provided, single submitter. Criteria: Ambry Variant Classification Scheme 2023. Collection method: clinical testing. Allele origin: germline.
Comment: The c.3348_3360del13 pathogenic mutation, located in coding exon 20 of the ABCA3 gene, results from a deletion of 13 nucleotides between nucleotide positions 3348 and 3360, causing a translational frameshift with a predicted alternate stop codon (p.I1117Afs*13). Since frameshifts are typically deleterious in nature, this alteration is interpreted as a disease-causing mutation (ACMG Recommendations for Standards for Interpretation and Reporting of Sequence Variations. Revision 2007. Genet Med. 2008;10:294).